The following is an entry in ClinVar:

NM_001164508.2(NEB):c.9690G>A (p.Met3230Ile)

Gene: NEB (nebulin; minus strand). Cytogenetic location: 2q23.3.
Variant type: single nucleotide variant.
Coding change: c.9690G>A on transcript NM_001164508.2 (MANE Select); coding-DNA position 9690, G replaced by A.
Protein change: p.Met3230Ile; replaces methionine 3230 with isoleucine.
Molecular consequence: missense variant.
Genome position (GRCh38, 1-based): chr2:151,630,748, C>T on the plus strand (G>A on the coding strand, the complement: NEB is on the minus strand). VCF-style: chr2-151630748-C-T. GRCh37 (hg19) VCF-style: chr2-152487262-C-T.
Other names: c.9690G>A, p.Met3230Ile (NM_001164507.2, NM_001271208.2); c.8961G>A, p.Met2987Ile (NM_004543.5); short protein forms M2987I, M3230I.
Identifiers: ClinVar variation 2133971 (VCV002133971.1), dbSNP rs775457713, ClinGen allele CA348798827.
Genomic context (GRCh38, chr2:151,630,748, plus strand): 5'-TATAGCACCACAGATTTTTGCTCCTACCTCACTGTAGTTGATTTTGTTCTGCCTTGCCAA[C>T]ATAATCTCTGGTGTATCAGGCATTATGTGAATTTGAGTCTTGTCTTTGTCCCAGGCCTCT-3'
Protein context (NP_001157980.2, residues 3220-3240): IHIMPDTPEI[Met3230Ile]LARQNKINYS

ClinVar aggregate classification (germline): Uncertain significance (1 of 4 stars; one submission).

Conditions:
Nemaline myopathy 2 (NEM2). Also called: Nemaline myopathy 2, autosomal recessive. Identifiers: MedGen C1850569, MONDO:0009725, OMIM 256030.

Allele frequency attached by ClinVar (database versions not stated): TOPMed below 0.00001.

Submission:

Labcorp Genetics (formerly Invitae), Labcorp
Classification: Uncertain significance for Nemaline myopathy 2. Last evaluated: 2022-05-05. Review status: criteria provided, single submitter. Criteria: Invitae Variant Classification Sherloc (09022015). Collection method: clinical testing. Allele origin: germline.
Comment: This sequence change replaces methionine, which is neutral and non-polar, with isoleucine, which is neutral and non-polar, at codon 3230 of the NEB protein (p.Met3230Ile). This variant is not present in population databases (gnomAD no frequency). This variant has not been reported in the literature in individuals affected with NEB-related conditions. Algorithms developed to predict the effect of missense changes on protein structure and function are either unavailable or do not agree on the potential impact of this missense change (SIFT: "Tolerated"; PolyPhen-2: "Not Available"; Align-GVGD: "Class C0"). In summary, the available evidence is currently insufficient to determine the role of this variant in disease. Therefore, it has been classified as a Variant of Uncertain Significance.